The following is an entry in ClinVar:

ClinVar aggregate classification (germline): Uncertain significance (1 of 4 stars; one submission).

Conditions:
RASopathy. Also called: Noonan spectrum disorder; rasopathies. Identifiers: Orphanet 536391, MedGen C5555857, MONDO:0021060.

Submission:

Labcorp Genetics (formerly Invitae), Labcorp
Classification: Uncertain significance for RASopathy. Last evaluated: 2025-12-09. Review status: criteria provided, single submitter. Criteria: Invitae Variant Classification Sherloc (09022015). Collection method: clinical testing. Allele origin: germline.
Comment: This sequence change replaces asparagine, which is neutral and polar, with serine, which is neutral and polar, at codon 229 of the BRAF protein (p.Asn229Ser). This variant is not present in population databases (gnomAD no frequency). This variant has not been reported in the literature in individuals affected with BRAF-related conditions. Invitae Evidence Modeling of protein sequence and biophysical properties (such as structural, functional, and spatial information, amino acid conservation, physicochemical variation, residue mobility, and thermodynamic stability) indicates that this missense variant is not expected to disrupt BRAF protein function with a negative predictive value of 80%. In summary, the available evidence is currently insufficient to determine the role of this variant in disease. Therefore, it has been classified as a Variant of Uncertain Significance.

NM_004333.6(BRAF):c.686A>G (p.Asn229Ser)

Gene: BRAF (B-Raf proto-oncogene, serine/threonine kinase; minus strand). Cytogenetic location: 7q34.
Variant type: single nucleotide variant.
Coding change: c.686A>G on transcript NM_004333.6 (MANE Select); coding-DNA position 686, A replaced by G.
Protein change: p.Asn229Ser; replaces asparagine 229 with serine.
Molecular consequence: missense variant.
Genome position (GRCh38, 1-based): chr7:140,807,985, T>C on the plus strand (A>G on the coding strand, the complement: BRAF is on the minus strand). VCF-style: chr7-140807985-T-C. GRCh37 (hg19) VCF-style: chr7-140507785-T-C.
Other names: c.686A>G, p.Asn229Ser (NM_001354609.2, NM_001374244.1, NM_001374258.1 and 4 more transcripts); c.695A>G, p.Asn232Ser (NM_001378467.1); c.584A>G, p.Asn195Ser (NM_001378470.1); c.530A>G, p.Asn177Ser (NM_001378472.1, NM_001378473.1); c.422A>G, p.Asn141Ser (NM_001378475.1); short protein forms N229S, N232S, N141S, N177S, N195S.
Identifiers: ClinVar variation 4746373 (VCV004746373.1).